The following is an entry in ClinVar:

NM_004320.6(ATP2A1):c.109G>A (p.Gly37Ser)

Gene: ATP2A1 (ATPase sarcoplasmic/endoplasmic reticulum Ca2+ transporting 1; plus strand). Cytogenetic location: 16p11.2.
Variant type: single nucleotide variant.
Coding change: c.109G>A on transcript NM_004320.6 (MANE Select); coding-DNA position 109, G replaced by A.
Protein change: p.Gly37Ser; replaces glycine 37 with serine.
Molecular consequence: missense variant.
Genome position (GRCh38, 1-based): chr16:28,878,780, G>A. VCF-style: chr16-28878780-G-A. GRCh37 (hg19) VCF-style: chr16-28890101-G-A.
Other names: p.Gly37Ser; c.109G>A (NM_173201.4); c.109G>A, p.Gly37Ser (NM_173201.5); short protein forms G37S.
Identifiers: ClinVar variation 464069 (VCV000464069.14), dbSNP rs200428113, ClinGen allele CA7986490.

ClinVar aggregate classification (germline): Uncertain significance. Review status: criteria provided, multiple submitters, no conflicts (2 of 4 stars). 5 submissions from 5 submitters: Uncertain significance (5). Last evaluated 2026-03-28.

Conditions:
Brody myopathy. Also called: BRODY DISEASE. Identifiers: Orphanet 53347, MedGen C1832918, MONDO:0010977, OMIM 601003.
Inborn genetic diseases. Identifiers: MedGen C0950123, MeSH D030342.

Allele frequency attached by ClinVar (database versions not stated): gnomAD exomes 0.00014 and 0.00007; ExAC 0.00009; gnomAD 0.00010; TOPMed 0.00011; ESP Exome Variant Server 0.00015; 1000 Genomes Project 30x 0.00016; 1000 Genomes Project 0.00020.
gnomAD v4.1: 226 of 1,613,954 alleles (0.014%); highest among the groups gnomAD compares: Non-Finnish European, 0.018%; no homozygotes.

Submissions (5):

GeneDx
Classification: Uncertain significance. Last evaluated: 2026-03-28. Review status: criteria provided, single submitter. Criteria: GeneDx Variant Classification Process June 2021. Collection method: clinical testing. Allele origin: germline.
Comment: Not observed at significant frequency in large population cohorts (gnomAD); In silico analysis supports that this missense variant has a deleterious effect on protein structure/function; Has not been previously published as pathogenic or benign to our knowledge

Ambry Genetics
Classification: Uncertain significance for Inborn genetic diseases. Last evaluated: 2024-01-08. Review status: criteria provided, single submitter. Criteria: Ambry Variant Classification Scheme 2023. Collection method: clinical testing. Allele origin: germline.

Mayo Clinic Laboratories, Mayo Clinic
Classification: Uncertain significance. Last evaluated: 2023-02-09. Review status: criteria provided, single submitter. Criteria: ACMG Guidelines, 2015. Collection method: clinical testing. Allele origin: germline. Observed: 1 variant allele.
Comment: PP3, PM2

Labcorp Genetics (formerly Invitae), Labcorp
Classification: Uncertain significance for Brody myopathy. Last evaluated: 2022-07-06. Review status: criteria provided, single submitter. Criteria: Invitae Variant Classification Sherloc (09022015). Collection method: clinical testing. Allele origin: germline.
Comment: This sequence change replaces glycine, which is neutral and non-polar, with serine, which is neutral and polar, at codon 37 of the ATP2A1 protein (p.Gly37Ser). This variant is present in population databases (rs200428113, gnomAD 0.02%). This variant has not been reported in the literature in individuals affected with ATP2A1-related conditions. ClinVar contains an entry for this variant (Variation ID: 464069). Algorithms developed to predict the effect of missense changes on protein structure and function are either unavailable or do not agree on the potential impact of this missense change (SIFT: "Deleterious"; PolyPhen-2: "Probably Damaging"; Align-GVGD: "Class C0"). In summary, the available evidence is currently insufficient to determine the role of this variant in disease. Therefore, it has been classified as a Variant of Uncertain Significance.

Revvity Omics, Revvity
Classification: Uncertain significance for Brody myopathy. Last evaluated: 2020-11-18. Review status: criteria provided, single submitter. Criteria: ACMG Guidelines, 2015. Collection method: clinical testing. Allele origin: germline.